The following is an entry in ClinVar:

ClinVar aggregate classification (germline): Uncertain significance (1 of 4 stars; one submission).

Conditions:
Dyskeratosis congenita, autosomal recessive 6 (DKCB6). Identifiers: MedGen C4225356, MONDO:0014600, OMIM 616353.
Pulmonary fibrosis and/or bone marrow failure, Telomere-related, 4. Also called: PULMONARY FIBROSIS AND/OR BONE MARROW FAILURE SYNDROME, TELOMERE-RELATED, 4. Identifiers: Orphanet 2032, MedGen C4225347, MONDO:0014612, OMIM 616371.

Submission:

Labcorp Genetics (formerly Invitae), Labcorp
Classification: Uncertain significance for Dyskeratosis congenita, autosomal recessive 6; Pulmonary fibrosis and/or bone marrow failure, Telomere-related, 4. Last evaluated: 2024-07-17. Review status: criteria provided, single submitter. Criteria: Invitae Variant Classification Sherloc (09022015). Collection method: clinical testing. Allele origin: germline.
Comment: This sequence change replaces leucine, which is neutral and non-polar, with histidine, which is basic and polar, at codon 12 of the PARN protein (p.Leu12His). This variant is not present in population databases (gnomAD no frequency). This variant has not been reported in the literature in individuals affected with PARN-related conditions. Advanced modeling of protein sequence and biophysical properties (such as structural, functional, and spatial information, amino acid conservation, physicochemical variation, residue mobility, and thermodynamic stability) performed at Invitae indicates that this missense variant is expected to disrupt PARN protein function with a positive predictive value of 80%. In summary, the available evidence is currently insufficient to determine the role of this variant in disease. Therefore, it has been classified as a Variant of Uncertain Significance.

NM_002582.4(PARN):c.35T>A (p.Leu12His)

Gene: PARN (poly(A)-specific ribonuclease; minus strand). Cytogenetic location: 16p13.12.
Variant type: single nucleotide variant.
Coding change: c.35T>A on transcript NM_002582.4 (MANE Select); coding-DNA position 35, T replaced by A.
Protein change: p.Leu12His; replaces leucine 12 with histidine.
Molecular consequence: missense variant. On other transcripts: 5 prime UTR variant (1).
Genome position (GRCh38, 1-based): chr16:14,629,659, A>T on the plus strand (T>A on the coding strand, the complement: PARN is on the minus strand). VCF-style: chr16-14629659-A-T. GRCh37 (hg19) VCF-style: chr16-14723516-A-T.
Other names: c.-149T>A (NM_001134477.3); c.35T>A, p.Leu12His (NM_001242992.2); short protein forms L12H.
Identifiers: ClinVar variation 3757274 (VCV003757274.2).